The following is an entry in ClinVar:

NM_000059.4(BRCA2):c.10037del (p.Ala3345_Leu3346insTer)

Gene: BRCA2 (BRCA2 DNA repair associated; plus strand). Cytogenetic location: 13q13.1.
Variant type: Deletion.
Coding change: c.10037del on transcript NM_000059.4 (MANE Select); coding-DNA position 10037, one base deleted (T; older notation c.10037delT).
Protein change: p.Ala3345_Leu3346insTer.
Molecular consequence: nonsense. On other transcripts: non-coding transcript variant (1).
Genome position (GRCh38, 1-based): chr13:32,398,550, T deleted; the last of 2 consecutive T bases (chr13:32,398,549-32,398,550); deleting either gives the same sequence. VCF-style (leftmost placement, unchanged base first): chr13-32398548-AT-A. GRCh37 (hg19) VCF-style: chr13-32972685-AT-A.
Other names: c.9941del, p.Ala3313_Leu3314insTer (NM_001406719.1); c.9986del, p.Ala3328_Leu3329insTer (NM_001406720.1); c.5105del, p.Ala1701_Leu1702insTer (NM_001406721.1); c.3620del, p.Ala1206_Leu1207insTer (NM_001406722.1); c.10037del, p.Ala3345_Leu3346insTer (NM_001432077.1).
Identifiers: ClinVar variation 4867795 (VCV004867795.1).

ClinVar aggregate classification (germline): Uncertain significance (1 of 4 stars; one submission).

Conditions:
Hereditary cancer-predisposing syndrome. Also called: Neoplastic Syndromes, Hereditary; Tumor predisposition; Hereditary Cancer Syndrome; Hereditary neoplastic syndrome. Identifiers: Orphanet 140162, MedGen C0027672, MeSH D009386, MONDO:0015356.

Submission:

Ambry Genetics
Classification: Uncertain significance for Hereditary cancer-predisposing syndrome. Last evaluated: 2026-03-26. Review status: criteria provided, single submitter. Criteria: Ambry Variant Classification Scheme 2023. Collection method: clinical testing. Allele origin: germline.
Comment: The c.10037delT variant, located in coding exon 26 of the BRCA2 gene, results from a deletion of one nucleotide at nucleotide position 10037, causing a translational frameshift with a predicted alternate stop codon (p.L3346*). This alteration occurs at the 3' terminus of the BRCA2 gene, is not expected to trigger nonsense-mediated mRNA decay, and impacts the last 2.1% of the protein. The exact functional effect of this alteration is unknown. Based on the available evidence, the clinical significance of this variant remains unclear.